The following is an entry in ClinVar:

ClinVar aggregate classification (germline): Conflicting classifications of pathogenicity. Review status: criteria provided, conflicting classifications (1 of 4 stars). 4 submissions from 4 submitters: Uncertain significance (2); Likely benign (2). Last evaluated 2026-04-10.

Conditions:
DICER1-related tumor predisposition. Also called: DICER1-related pleuropulmonary blastoma cancer predisposition syndrome; DICER1 syndrome. Identifiers: Orphanet 284343, MedGen C3839822, MONDO:0100216.
Hereditary cancer-predisposing syndrome. Also called: Hereditary Cancer Syndrome; Neoplastic Syndromes, Hereditary; Hereditary neoplastic syndrome; Tumor predisposition. Identifiers: Orphanet 140162, MedGen C0027672, MeSH D009386, MONDO:0015356.

Allele frequency attached by ClinVar (database versions not stated): TOPMed 0.00001.
gnomAD v4.1: 2 of 1,613,460 alleles (0.00012%); highest among the groups gnomAD compares: Non-Finnish European, 0.00017%; no homozygotes.

Submissions (4):

Myriad Genetics, Inc.
Classification: Likely benign for DICER1-related tumor predisposition. Last evaluated: 2026-04-10. Review status: criteria provided, single submitter. Criteria: Myriad Autosomal Dominant, Autosomal Recessive and X-Linked Classification Criteria (2023). Collection method: clinical testing. Allele origin: unknown.
Comment: This variant is considered likely benign. This variant is intronic and is not expected to impact mRNA splicing.

Labcorp Genetics (formerly Invitae), Labcorp
Classification: Likely benign for DICER1-related tumor predisposition. Last evaluated: 2025-08-10. Review status: criteria provided, single submitter. Criteria: Invitae Variant Classification Sherloc (09022015). Collection method: clinical testing. Allele origin: germline.

Quest Diagnostics Nichols Institute San Juan Capistrano
Classification: Uncertain significance. Last evaluated: 2023-12-05. Review status: criteria provided, single submitter. Criteria: Quest Diagnostics criteria. Collection method: clinical testing. Allele origin: unknown.
Comment: The DICER1 c.145-10A>G variant has not been reported in individuals with DICER1-related conditions in the published literature. It also has not been reported in large, multi-ethnic general populations (Genome Aggregation Database). Analysis of this variant using software algorithms for the prediction of the effect of nucleotide changes on splicing yielded predictions that this variant does not affect DICER1 mRNA splicing. Based on the available information, we are unable to determine the clinical significance of this variant.

Sema4
Classification: Uncertain significance for Hereditary cancer-predisposing syndrome. Last evaluated: 2022-03-12. Review status: criteria provided, single submitter. Criteria: Sema4 Curation Guidelines. Collection method: curation. Allele origin: germline.
Comment: The DICER1 c.145-10A>G variant has not been reported in the literature to our knowledge. This variant is not present in the large and broad cohorts of the Genome Aggregation Database (PMID: 32461654) but has been reported in ClinVar (Variation ID: 417110). In silico tools do not suggest negative effect on normal splicing, though these predictions have not been confirmed by functional studies. There is no indication that this variant causes disease, but the evidence is insufficient currently to prove that conclusively. Thus, the clinical significance of this variant is currently uncertain.

NM_177438.3(DICER1):c.145-10A>G

Gene: DICER1 (dicer 1, ribonuclease III; minus strand). Cytogenetic location: 14q32.13.
Variant type: single nucleotide variant.
Coding change: c.145-10A>G on transcript NM_177438.3 (MANE Select); 10 bases into the intron before coding-DNA position 145, A replaced by G.
Molecular consequence: intron variant.
Genome position (GRCh38, 1-based): chr14:95,132,687, T>C on the plus strand (A>G on the coding strand, the complement: DICER1 is on the minus strand). VCF-style: chr14-95132687-T-C. GRCh37 (hg19) VCF-style: chr14-95599024-T-C.
Other names: c.145-10A>G (NM_001291628.2, NM_030621.4, NM_001271282.3 and 1 more transcripts).
Identifiers: ClinVar variation 417110 (VCV000417110.15), dbSNP rs1060504983, ClinGen allele CA16614297.